The following is an entry in ClinVar:

ClinVar aggregate classification (germline): Uncertain significance (1 of 4 stars; one submission).

Allele frequency attached by ClinVar (database versions not stated): gnomAD exomes below 0.00001.
gnomAD v4.1: 1 of 1,613,840 alleles (0.000062%); highest among the groups gnomAD compares: Non-Finnish European, 0.000085%; no homozygotes.

Submission:

Labcorp Genetics (formerly Invitae), Labcorp
Classification: Uncertain significance. Last evaluated: 2020-10-08. Review status: criteria provided, single submitter. Criteria: Invitae Variant Classification Sherloc (09022015). Collection method: clinical testing. Allele origin: germline.
Comment: Algorithms developed to predict the effect of missense changes on protein structure and function (SIFT, PolyPhen-2, Align-GVGD) all suggest that this variant is likely to be tolerated, but these predictions have not been confirmed by published functional studies and their clinical significance is uncertain. This variant has not been reported in the literature in individuals with IMPG2-related conditions. This variant is not present in population databases (ExAC no frequency). This sequence change replaces valine with alanine at codon 855 of the IMPG2 protein (p.Val855Ala). The valine residue is weakly conserved and there is a small physicochemical difference between valine and alanine. In summary, the available evidence is currently insufficient to determine the role of this variant in disease. Therefore, it has been classified as a Variant of Uncertain Significance.

NM_016247.4(IMPG2):c.2564T>C (p.Val855Ala)

Gene: IMPG2 (interphotoreceptor matrix proteoglycan 2; minus strand). Cytogenetic location: 3q12.3.
Variant type: single nucleotide variant.
Coding change: c.2564T>C on transcript NM_016247.4 (MANE Select); coding-DNA position 2564, T replaced by C.
Protein change: p.Val855Ala; replaces valine 855 with alanine.
Molecular consequence: missense variant.
Genome position (GRCh38, 1-based): chr3:101,243,767, A>G on the plus strand (T>C on the coding strand, the complement: IMPG2 is on the minus strand). VCF-style: chr3-101243767-A-G. GRCh37 (hg19) VCF-style: chr3-100962611-A-G.
Other names: short protein forms V855A.
Identifiers: ClinVar variation 863570 (VCV000863570.9), dbSNP rs1706436696, ClinGen allele CA353856604.
Genomic context (GRCh38, chr3:101,243,767, plus strand): 5'-GTGGAGTGAACACTTGTTGACATTTCCACATAACTACCAACCTTGCCATTTTGCTCTTGG[A>G]CTTGCTCAGGCTGATAGTAATCTGTGCCTATCCGGTCCAGTTCTAACGAAATATCCTGTA-3'
Protein context (NP_057331.2, residues 845-865): IGTDYYQPEQ[Val855Ala]QEQNGKVGSY